The following is an entry in ClinVar:

ClinVar aggregate classification (germline): Likely benign (1 of 4 stars; one submission).

gnomAD v4.1: 183 of 1,614,198 alleles (0.011%); highest among the groups gnomAD compares: African/African-American, 0.21%; no homozygotes.

Submission:

CeGaT Center for Human Genetics Tuebingen
Classification: Likely benign. Last evaluated: 2026-03-01. Review status: criteria provided, single submitter. Criteria: CeGaT Center For Human Genetics Tuebingen Variant Classification Criteria Version 2. Collection method: clinical testing. Allele origin: germline. Affected: yes. Observed: 2 variant alleles.
Comment: ARPC4: BP4, BP7, BS1

NM_005718.5(ARPC4):c.474C>T (p.Arg158=)

Genes: ARPC4 (actin related protein 2/3 complex subunit 4; plus strand), ARPC4-TTLL3 (ARPC4-TTLL3 readthrough; plus strand). Cytogenetic location: 3p25.3.
Variant type: single nucleotide variant.
Coding change: c.474C>T on transcript NM_005718.5 (MANE Select); coding-DNA position 474, C replaced by T.
Protein change: p.Arg158=; no amino-acid change (arginine 158 retained).
Molecular consequence: synonymous variant. On other transcripts: intron variant (1).
Genome position (GRCh38, 1-based): chr3:9,803,986, C>T. VCF-style: chr3-9803986-C-T. GRCh37 (hg19) VCF-style: chr3-9845670-C-T.
Other names: c.204C>T, p.Arg68= (NM_001024959.3, NM_001024960.3); c.531C>T, p.Arg177= (NM_001198780.3); c.330+2230C>T (NM_001198793.1).
Identifiers: ClinVar variation 4821596 (VCV004821596.4).